The following is an entry in ClinVar:

ClinVar aggregate classification (germline): Uncertain significance. Review status: criteria provided, multiple submitters, no conflicts (2 of 4 stars). 2 submissions from 2 submitters: Uncertain significance (2). Last evaluated 2025-02-05.

Conditions:
Inborn genetic diseases. Identifiers: MedGen C0950123, MeSH D030342.
Insulin-dependent diabetes mellitus secretory diarrhea syndrome (IPEX). Also called: Immunodysregulation, polyendocrinopathy, and enteropathy, X-linked; Immune dysregulation-polyendocrinopathy-enteropathy-X-linked syndrome; Immunodeficiency, Polyendocrinopathy, and Enteropathy X-Linked Syndrome; X-Linked Syndrome of Polyendocrinopathy, Immune Dysfunction, and Diarrhea; IPEX and IPEX-Like; DIABETES MELLITUS, CONGENITAL INSULIN-DEPENDENT, WITH FATAL SECRETORY DIARRHEA. Identifiers: Orphanet 37042, MedGen C0342288, MONDO:0010580, OMIM 304790. Disease mechanism: loss of function.

gnomAD v4.1: 1 of 1,210,943 alleles (0.000083%); highest among the groups gnomAD compares: Non-Finnish European, 0.00011%; no homozygotes.

Submissions (2):

Ambry Genetics
Classification: Uncertain significance for Inborn genetic diseases. Last evaluated: 2025-02-05. Review status: criteria provided, single submitter. Criteria: Ambry Variant Classification Scheme 2023. Collection method: clinical testing. Allele origin: germline.

Labcorp Genetics (formerly Invitae), Labcorp
Classification: Uncertain significance for Insulin-dependent diabetes mellitus secretory diarrhea syndrome. Last evaluated: 2024-03-16. Review status: criteria provided, single submitter. Criteria: Invitae Variant Classification Sherloc (09022015). Collection method: clinical testing. Allele origin: germline.
Comment: This sequence change replaces proline, which is neutral and non-polar, with glutamine, which is neutral and polar, at codon 165 of the FOXP3 protein (p.Pro165Gln). This variant is not present in population databases (gnomAD no frequency). This variant has not been reported in the literature in individuals affected with FOXP3-related conditions. Advanced modeling of protein sequence and biophysical properties (such as structural, functional, and spatial information, amino acid conservation, physicochemical variation, residue mobility, and thermodynamic stability) performed at Invitae indicates that this missense variant is not expected to disrupt FOXP3 protein function with a negative predictive value of 80%. In summary, the available evidence is currently insufficient to determine the role of this variant in disease. Therefore, it has been classified as a Variant of Uncertain Significance.

NM_014009.4(FOXP3):c.494C>A (p.Pro165Gln)

Gene: FOXP3 (forkhead box P3; minus strand). Cytogenetic location: Xp11.23.
Variant type: single nucleotide variant.
Coding change: c.494C>A on transcript NM_014009.4 (MANE Select); coding-DNA position 494, C replaced by A.
Protein change: p.Pro165Gln; replaces proline 165 with glutamine.
Molecular consequence: missense variant.
Genome position (GRCh38, 1-based): chrX:49,256,973, G>T on the plus strand (C>A on the coding strand, the complement: FOXP3 is on the minus strand). VCF-style: chrX-49256973-G-T. GRCh37 (hg19) VCF-style: chrX-49113430-G-T.
Other names: c.389C>A, p.Pro130Gln (NM_001114377.2); short protein forms P130Q, P165Q.
Identifiers: ClinVar variation 3627343 (VCV003627343.3).